The following is an entry in ClinVar:

ClinVar aggregate classification (germline): Uncertain significance (1 of 4 stars; one submission).

Conditions:
DICER1-related tumor predisposition. Also called: DICER1 syndrome; DICER1-related pleuropulmonary blastoma cancer predisposition syndrome. Identifiers: Orphanet 284343, MedGen C3839822, MONDO:0100216.

Submission:

Labcorp Genetics (formerly Invitae), Labcorp
Classification: Uncertain significance for DICER1-related tumor predisposition. Last evaluated: 2019-02-22. Review status: criteria provided, single submitter. Criteria: Invitae Variant Classification Sherloc (09022015). Collection method: clinical testing. Allele origin: germline.
Comment: This sequence change replaces phenylalanine with leucine at codon 1706 of the DICER1 protein (p.Phe1706Leu). The phenylalanine residue is highly conserved and there is a small physicochemical difference between phenylalanine and leucine. In summary, the available evidence is currently insufficient to determine the role of this variant in disease. Therefore, it has been classified as a Variant of Uncertain Significance. Algorithms developed to predict the effect of missense changes on protein structure and function are either unavailable or do not agree on the potential impact of this missense change (SIFT: "Deleterious"; PolyPhen-2: "Benign"; Align-GVGD: "Class C15"). This variant has not been reported in the literature in individuals with DICER1-related conditions. This variant is not present in population databases (ExAC no frequency).

NM_177438.3(DICER1):c.5116T>C (p.Phe1706Leu)

Gene: DICER1 (dicer 1, ribonuclease III; minus strand). Cytogenetic location: 14q32.13.
Variant type: single nucleotide variant.
Coding change: c.5116T>C on transcript NM_177438.3 (MANE Select); coding-DNA position 5116, T replaced by C.
Protein change: p.Phe1706Leu; replaces phenylalanine 1706 with leucine.
Molecular consequence: missense variant.
Genome position (GRCh38, 1-based): chr14:95,094,136, A>G on the plus strand (T>C on the coding strand, the complement: DICER1 is on the minus strand). VCF-style: chr14-95094136-A-G. GRCh37 (hg19) VCF-style: chr14-95560473-A-G.
Other names: c.5116T>C, p.Phe1706Leu (NM_001195573.1, NM_001271282.3, NM_001291628.2 and 1 more transcripts); short protein forms F1706L.
Identifiers: ClinVar variation 841474 (VCV000841474.11), dbSNP rs1890100579, ClinGen allele CA390865412.
Genomic context (GRCh38, chr14:95,094,136, plus strand): 5'-GCCGCGGGTCTTCATAAAGGTGCTTGGTTATGAGGTAGTCCAAAATCGCATCTCCCAGGA[A>G]TTCTAAGCGCTGGTAACAATCTGAGGGGATCCGAAGTGGAACCGTAAGCTTGTGCAGAAG-3'
Protein context (NP_803187.1, residues 1696-1716): TITDCYQRLE[Phe1706Leu]LGDAILDYLI